The following is an entry in ClinVar:

NM_001004334.4(GPR179):c.2734G>A (p.Asp912Asn)

Gene: GPR179 (G protein-coupled receptor 179; minus strand). Cytogenetic location: 17q12.
Variant type: single nucleotide variant.
Coding change: c.2734G>A on transcript NM_001004334.4 (MANE Select); coding-DNA position 2734, G replaced by A.
Protein change: p.Asp912Asn; replaces aspartic acid 912 with asparagine.
Molecular consequence: missense variant.
Genome position (GRCh38, 1-based): chr17:38,330,835, C>T on the plus strand (G>A on the coding strand, the complement: GPR179 is on the minus strand). VCF-style: chr17-38330835-C-T. GRCh37 (hg19) VCF-style: chr17-36486718-C-T.
Other names: c.2734G>A (NM_001004334.2); short protein forms D912N.
Identifiers: ClinVar variation 1499837 (VCV001499837.6), dbSNP rs747902639, ClinGen allele CA290105597.
Genomic context (GRCh38, chr17:38,330,835, plus strand): 5'-GTGGATGAGGCAGCCTTCTCCTAGCCTCCTCATGAAGCCTCCCAGAGGTGTGAGAGCTGT[C>T]CACGCTGCTGCTCTTGGCAGGGGAAGGTGGAGCTGACAGGGGGGCCCCTCGAGGCCGCTC-3'
Protein context (NP_001004334.3, residues 902-922): PPSPAKSSSV[Asp912Asn]SSHTSGRLHE

ClinVar aggregate classification (germline): Uncertain significance. Review status: criteria provided, multiple submitters, no conflicts (2 of 4 stars). 3 submissions from 3 submitters: Uncertain significance (3). Last evaluated 2024-04-17.

Conditions:
Inborn genetic diseases. Identifiers: MedGen C0950123, MeSH D030342.

Allele frequency attached by ClinVar (database versions not stated): ExAC 0.00001; gnomAD exomes 0.00004 and 0.00005; gnomAD 0.00005 and 0.00006; TOPMed 0.00006.
gnomAD v4.1: 83 of 1,604,534 alleles (0.0052%); highest among the groups gnomAD compares: Non-Finnish European, 0.0048%; no homozygotes.

Submissions (3):

Ambry Genetics
Classification: Uncertain significance for Inborn genetic diseases. Last evaluated: 2024-04-17. Review status: criteria provided, single submitter. Criteria: Ambry Variant Classification Scheme 2023. Collection method: clinical testing. Allele origin: germline.

Blueprint Genetics
Classification: Uncertain significance. Last evaluated: 2024-01-23. Review status: criteria provided, single submitter. Criteria: ACMG Guidelines, 2015. Collection method: clinical testing. Allele origin: germline.

Labcorp Genetics (formerly Invitae), Labcorp
Classification: Uncertain significance. Last evaluated: 2022-09-01. Review status: criteria provided, single submitter. Criteria: Invitae Variant Classification Sherloc (09022015). Collection method: clinical testing. Allele origin: germline.
Comment: Algorithms developed to predict the effect of missense changes on protein structure and function are either unavailable or do not agree on the potential impact of this missense change (SIFT: "Tolerated"; PolyPhen-2: "Possibly Damaging"; Align-GVGD: "Class C0"). ClinVar contains an entry for this variant (Variation ID: 1499837). This variant has not been reported in the literature in individuals affected with GPR179-related conditions. This variant is present in population databases (rs747902639, gnomAD 0.09%). This sequence change replaces aspartic acid, which is acidic and polar, with asparagine, which is neutral and polar, at codon 912 of the GPR179 protein (p.Asp912Asn). In summary, the available evidence is currently insufficient to determine the role of this variant in disease. Therefore, it has been classified as a Variant of Uncertain Significance.